The following is an entry in ClinVar:

NM_000169.3(GLA):c.370_377del

Genes: GLA (galactosidase alpha; minus strand), RPL36A-HNRNPH2 (RPL36A-HNRNPH2 readthrough; plus strand). Cytogenetic location: Xq22.1.
Variant type: Deletion.
Coding change: c.370_377del on transcript NM_000169.3 (MANE Select); coding-DNA positions 370 to 377, 8 bases deleted (GTTCACAG; older notation c.370_377delGTTCACAG).
Molecular consequence: splice acceptor variant. On other transcripts: intron variant (2).
Genome position (GRCh38, 1-based): chrX:101,401,802-101,401,809, CTGTGAAC deleted on the plus strand (GTTCACAG on the coding strand, the reverse complement: GLA is on the minus strand); deleting any 8 consecutive bases within chrX:101,401,802-101,401,812 gives the same sequence; the c. name uses the placement nearest the transcript's 3' end. VCF-style (leftmost placement, unchanged base first): chrX-101401801-GCTGTGAAC-G. GRCh37 (hg19) VCF-style: chrX-100656789-GCTGTGAAC-G.
Other names: c.300+6348_300+6355del (NM_001199973.2); c.177+9983_177+9990del (NM_001199974.2).
Identifiers: ClinVar variation 4086950 (VCV004086950.2).

ClinVar aggregate classification (germline): Pathogenic (1 of 4 stars; one submission).

Conditions:
Fabry disease. Also called: ALPHA-GALACTOSIDASE A DEFICIENCY; ANDERSON-FABRY DISEASE; CERAMIDE TRIHEXOSIDASE DEFICIENCY; GLA DEFICIENCY; HEREDITARY DYSTOPIC LIPIDOSIS; Angiokeratoma corporis diffusum. Identifiers: Orphanet 324, MedGen C0002986, MONDO:0010526, OMIM 301500, HP:0001071. Disease mechanism: Fabry disease is due to inactivating mutations in the X-linked GLA gene resulting in deficiency of the enzyme Alpha Galactosidase-A., loss of function.

Submission:

Genomenon, Inc
Classification: Pathogenic for Fabry disease. Last evaluated: 2026-09-08. Review status: criteria provided, single submitter. Criteria: Genomenon Sequence Variant Interpretation Standards - Updated. Collection method: curation. Allele origin: germline. Affected: yes.
Comment: GLA p.Val124GlnfsTer14 (c.370_377del) is a frameshift variant that is predicted to introduce a premature termination codon and result in a truncated or absent protein product. This variant has been observed in at least one proband with clinical features consistent with Fabry disease (PMID:36140787). The variant was found to segregate with disease in at least one affected family (PMID:36140787). Functional or patient cell studies have been reported (PMID:36140787). It is absent or not present at a significant frequency in gnomAD. In conclusion, we classify GLA p.Val124GlnfsTer14 (c.370_377del) as a pathogenic variant.

Literature cited by the submitters: PubMed 36140787.